The following is an entry in ClinVar:

ClinVar aggregate classification (germline): Uncertain significance (1 of 4 stars; one submission).

Conditions:
Inborn genetic diseases. Identifiers: MedGen C0950123, MeSH D030342.

Submission:

Ambry Genetics
Classification: Uncertain significance for Inborn genetic diseases. Last evaluated: 2025-06-22. Review status: criteria provided, single submitter. Criteria: Ambry Variant Classification Scheme 2023. Collection method: clinical testing. Allele origin: germline.
Comment: The p.S206P variant (also known as c.616T>C), located in coding exon 5 of the HAX1 gene, results from a T to C substitution at nucleotide position 616. The serine at codon 206 is replaced by proline, an amino acid with similar properties. This amino acid position is conserved. In addition, this alteration is predicted to be deleterious by in silico analysis. Based on the available evidence, the clinical significance of this variant remains unclear.

NM_006118.4(HAX1):c.616T>C (p.Ser206Pro)

Gene: HAX1 (HCLS1 associated protein X-1; plus strand). Cytogenetic location: 1q21.3.
Variant type: single nucleotide variant.
Coding change: c.616T>C on transcript NM_006118.4 (MANE Select); coding-DNA position 616, T replaced by C.
Protein change: p.Ser206Pro; replaces serine 206 with proline.
Molecular consequence: missense variant.
Genome position (GRCh38, 1-based): chr1:154,275,213, T>C. VCF-style: chr1-154275213-T-C. GRCh37 (hg19) VCF-style: chr1-154247689-T-C.
Other names: c.472T>C, p.Ser158Pro (NM_001018837.2); short protein forms S158P, S206P.
Identifiers: ClinVar variation 4269016 (VCV004269016.1).
Genomic context (GRCh38, chr1:154,275,213, plus strand): 5'-GATCTTGATTCCCAGGTTTCCCAGGAGGGTCTTGGCCCGGTTCTACAGCCCCAGCCCAAA[T>C]CCTATTTCAAGAGCATCTCTGTGACCAAGATCACTAAACCAGATGGGGTGAGTTGAAAGA-3'
Protein context (NP_006109.2, residues 196-216): LGPVLQPQPK[Ser206Pro]YFKSISVTKI